The following is an entry in ClinVar:

ClinVar aggregate classification (germline): Uncertain significance. Review status: criteria provided, multiple submitters, no conflicts (2 of 4 stars). 2 submissions from 2 submitters: Uncertain significance (2). Last evaluated 2025-04-11.

Conditions:
Inborn genetic diseases. Identifiers: MedGen C0950123, MeSH D030342.

Allele frequency attached by ClinVar (database versions not stated): gnomAD 0.00004; ExAC 0.00010; ESP Exome Variant Server 0.00008; TOPMed 0.00002.
gnomAD v4.1: 61 of 1,613,316 alleles (0.0038%); highest among the groups gnomAD compares: Middle Eastern, 0.099%; no homozygotes.

Submissions (2):

Ambry Genetics
Classification: Uncertain significance for Inborn genetic diseases. Last evaluated: 2025-04-11. Review status: criteria provided, single submitter. Criteria: Ambry Variant Classification Scheme 2023. Collection method: clinical testing. Allele origin: germline.

Labcorp Genetics (formerly Invitae), Labcorp
Classification: Uncertain significance. Last evaluated: 2024-11-05. Review status: criteria provided, single submitter. Criteria: Invitae Variant Classification Sherloc (09022015). Collection method: clinical testing. Allele origin: germline.
Comment: This sequence change replaces leucine, which is neutral and non-polar, with arginine, which is basic and polar, at codon 433 of the ASPH protein (p.Leu433Arg). This variant is present in population databases (rs201951517, gnomAD 0.01%). This variant has not been reported in the literature in individuals affected with ASPH-related conditions. ClinVar contains an entry for this variant (Variation ID: 2142349). An algorithm developed to predict the effect of missense changes on protein structure and function (PolyPhen-2) suggests that this variant is likely to be disruptive. In summary, the available evidence is currently insufficient to determine the role of this variant in disease. Therefore, it has been classified as a Variant of Uncertain Significance.

NM_004318.4(ASPH):c.1298T>G (p.Leu433Arg)

Gene: ASPH (aspartate beta-hydroxylase; minus strand). Cytogenetic location: 8q12.3.
Variant type: single nucleotide variant.
Coding change: c.1298T>G on transcript NM_004318.4 (MANE Select); coding-DNA position 1298, T replaced by G.
Protein change: p.Leu433Arg; replaces leucine 433 with arginine.
Molecular consequence: missense variant.
Genome position (GRCh38, 1-based): chr8:61,567,170, A>C on the plus strand (T>G on the coding strand, the complement: ASPH is on the minus strand). VCF-style: chr8-61567170-A-C. GRCh37 (hg19) VCF-style: chr8-62479729-A-C.
Other names: c.1211T>G, p.Leu404Arg (NM_001164750.2, NM_001413864.1, NM_001413865.1 and 1 more transcripts); c.1298T>G, p.Leu433Arg (NM_001413844.1, NM_001413849.1, NM_001413891.1); c.1343T>G, p.Leu448Arg (NM_001413845.1); c.1340T>G, p.Leu447Arg (NM_001413846.1); c.1241T>G, p.Leu414Arg (NM_001413847.1, NM_001413860.1, NM_001413896.1); c.1301T>G, p.Leu434Arg (NM_001413848.1); c.1295T>G, p.Leu432Arg (NM_001413850.1, NM_001413851.1, NM_001413893.1); c.1286T>G, p.Leu429Arg (NM_001413852.1); and 33 more; short protein forms L229R, L331R, L361R, L364R, L374R, L376R, L389R, L390R.
Identifiers: ClinVar variation 2142349 (VCV002142349.4), dbSNP rs201951517, ClinGen allele CA4761792.
Genomic context (GRCh38, chr8:61,567,170, plus strand): 5'-CTTCTTCAAGATAAAACATATGCCATTTCCTACTGAATTACCTTTGATTGCATCTTACCT[A>C]GAAATTGTTGCCTGTCTGAGCGACGCTTCAAACTCAGCTTCAGCAGGTCTGCAGGGACAT-3'
Protein context (NP_004309.2, residues 423-443): LKRRSDRQQF[Leu433Arg]GHMRGSLLTL